The following is an entry in ClinVar:

ClinVar aggregate classification (germline): Uncertain significance (1 of 4 stars; one submission).

Conditions:
CPE-related disorder. Also called: CPE-related condition.

Submission:

PreventionGenetics, part of Exact Sciences
Classification: Uncertain significance for CPE-related condition. Last evaluated: 2026-01-26. Review status: criteria provided, single submitter. Criteria: ACMG Guidelines, 2015. Collection method: clinical testing. Allele origin: germline.
Comment: The CPE c.330T>A variant is not predicted to result in an amino acid change (p.=). This variant is not predicted to alter splicing based on available splicing prediction programs (SpliceAI, Jaganathan et al. 2019. PubMed ID: 30661751). However, the use of computer prediction programs is not equivalent to functional evidence. To our knowledge, this variant has not been reported in the literature or in a large population database (gnomAD), indicating this variant is rare. At this time, the clinical significance of this variant is uncertain due to the absence of conclusive functional and genetic evidence.

NM_001873.4(CPE):c.330T>A (p.Ile110=)

Gene: CPE (carboxypeptidase E; plus strand). Cytogenetic location: 4q32.3.
Variant type: single nucleotide variant.
Coding change: c.330T>A on transcript NM_001873.4 (MANE Select); coding-DNA position 330, T replaced by A.
Protein change: p.Ile110=; no amino-acid change (isoleucine 110 retained).
Molecular consequence: synonymous variant.
Genome position (GRCh38, 1-based): chr4:165,464,412, T>A. VCF-style: chr4-165464412-T-A. GRCh37 (hg19) VCF-style: chr4-166385564-T-A.
Identifiers: ClinVar variation 4977875 (VCV004977875.1).